The following is an entry in ClinVar:

ClinVar aggregate classification (germline): Uncertain significance (1 of 4 stars; one submission).

gnomAD v4.1: 1 of 1,490,488 alleles (0.000067%); no homozygotes.

Submission:

Labcorp Genetics (formerly Invitae), Labcorp
Classification: Uncertain significance. Last evaluated: 2025-02-19. Review status: criteria provided, single submitter. Criteria: Invitae Variant Classification Sherloc (09022015). Collection method: clinical testing. Allele origin: germline.
Comment: This sequence change affects a donor splice site in intron 17 of the RASA2 gene. It is expected to disrupt RNA splicing. Variants that disrupt the donor or acceptor splice site typically lead to a loss of protein function (PMID: 16199547), however the current clinical and genetic evidence is not sufficient to establish whether loss-of-function variants in RASA2 cause disease. This variant is not present in population databases (gnomAD no frequency). This variant has not been reported in the literature in individuals affected with RASA2-related conditions. ClinVar contains an entry for this variant (Variation ID: 2197536). Algorithms developed to predict the effect of sequence changes on RNA splicing suggest that this variant may disrupt the consensus splice site. In summary, the available evidence is currently insufficient to determine the role of this variant in disease. Therefore, it has been classified as a Variant of Uncertain Significance.

Literature cited by the submitters: PubMed 16199547.

NM_006506.5(RASA2):c.1752+1G>A

Gene: RASA2 (RAS p21 protein activator 2; plus strand). Cytogenetic location: 3q23.
Variant type: single nucleotide variant.
Coding change: c.1752+1G>A on transcript NM_006506.5 (MANE Select); the canonical splice donor site of the intron after coding-DNA position 1752, G replaced by A.
Molecular consequence: splice donor variant.
Genome position (GRCh38, 1-based): chr3:141,581,178, G>A. VCF-style: chr3-141581178-G-A. GRCh37 (hg19) VCF-style: chr3-141300020-G-A.
Other names: c.1752+1G>A (NM_001303245.3, NM_001303246.3).
Identifiers: ClinVar variation 2197536 (VCV002197536.4), dbSNP rs1204256719, ClinGen allele CA354780407.